The following is an entry in ClinVar:

ClinVar aggregate classification (germline): Likely benign. Review status: criteria provided, multiple submitters, no conflicts (2 of 4 stars). 2 submissions from 2 submitters: Likely benign (2). Last evaluated 2025-05-29.

Conditions:
Tuberous sclerosis 2 (TSC2). Identifiers: Orphanet 805, MedGen C1860707, MONDO:0013199, OMIM 613254.

Submissions (2):

Myriad Genetics, Inc.
Classification: Likely benign for Tuberous sclerosis 2. Last evaluated: 2025-05-29. Review status: criteria provided, single submitter. Criteria: Myriad Autosomal Dominant, Autosomal Recessive and X-Linked Classification Criteria (2023). Collection method: clinical testing. Allele origin: unknown.
Comment: This variant is considered likely benign. This variant is intronic and is not expected to impact mRNA splicing.

Labcorp Genetics (formerly Invitae), Labcorp
Classification: Likely benign for Tuberous sclerosis 2. Last evaluated: 2024-09-10. Review status: criteria provided, single submitter. Criteria: Invitae Variant Classification Sherloc (09022015). Collection method: clinical testing. Allele origin: germline.

NM_000548.5(TSC2):c.3398-14G>C

Gene: TSC2 (TSC complex subunit 2; plus strand). Cytogenetic location: 16p13.3.
Variant type: single nucleotide variant.
Coding change: c.3398-14G>C on transcript NM_000548.5 (MANE Select); 14 bases into the intron before coding-DNA position 3398, G replaced by C.
Molecular consequence: intron variant.
Genome position (GRCh38, 1-based): chr16:2,080,151, G>C. VCF-style: chr16-2080151-G-C. GRCh37 (hg19) VCF-style: chr16-2130152-G-C.
Other names: c.1925-14G>C (NM_001406693.1, NM_001406690.1, NM_001406692.1 and 1 more transcripts); c.3359-14G>C (NM_001406667.1); c.3356-14G>C (NM_001406668.1); c.2798-14G>C (NM_001406680.1, NM_001406683.1, NM_001406682.1); c.2666-14G>C (NM_001406687.1, NM_001318831.2, NM_001406688.1); c.2054-14G>C (NM_001406689.1); c.1922-14G>C (NM_001406691.1, NM_001406697.1, NM_001406695.1 and 1 more transcripts); c.1664-14G>C (NM_001406698.1); and 18 more.
Identifiers: ClinVar variation 3727520 (VCV003727520.3).